The following is an entry in ClinVar:

NM_001063.4(TF):c.1464_1466del (p.Asn488del)

Gene: TF (transferrin; plus strand). Cytogenetic location: 3q22.1.
Variant type: Deletion.
Coding change: c.1464_1466del on transcript NM_001063.4 (MANE Select); coding-DNA positions 1464 to 1466, 3 bases deleted (TAA; older notation c.1464_1466delTAA).
Protein change: p.Asn488del; deletes asparagine 488.
Molecular consequence: inframe deletion.
Genome position (GRCh38, 1-based): chr3:133,766,411-133,766,413, TAA deleted; deleting any 3 consecutive bases within chr3:133,766,409-133,766,413 gives the same sequence; the c. name uses the placement nearest the transcript's 3' end. VCF-style (leftmost placement, unchanged base first): chr3-133766408-CAAT-C. GRCh37 (hg19) VCF-style: chr3-133485252-CAAT-C.
Other names: c.1332_1334del, p.Asn444del (NM_001354703.2); c.1083_1085del, p.Asn361del (NM_001354704.2); short protein forms N361del, N444del, N488del.
Identifiers: ClinVar variation 5004147 (VCV005004147.1).

ClinVar aggregate classification (germline): Uncertain significance (1 of 4 stars; one submission).

Conditions:
Atransferrinemia. Also called: Familial hypotransferrinemia. Identifiers: Orphanet 1195, MedGen C0521802, MONDO:0008846, OMIM 209300, HP:0012239.

Submission:

Myriad Genetics, Inc.
Classification: Uncertain significance for Atransferrinemia. Last evaluated: 2025-09-17. Review status: criteria provided, single submitter. Criteria: Myriad Autosomal Dominant, Autosomal Recessive and X-Linked Classification Criteria (2023). Collection method: clinical testing. Allele origin: unknown.
Comment: NM_001063.3(TF):c.1464_1466delTAA(N488del) is an in-frame deletion classified as a variant of uncertain significance in the context of atransferrinemia. N488del has not been observed in cases with relevant disease. Relevant functional assessments of this variant are not available in the literature. N488del has been observed in referenced population frequency databases. In summary, there is insufficient evidence to classify NM_001063.3(TF):c.1464_1466delTAA(N488del) as pathogenic or benign. Please note: this variant was assessed in the context of healthy population screening.